The following is an entry in ClinVar:

ClinVar aggregate classification (germline): Pathogenic. Review status: criteria provided, single submitter (1 of 4 stars). 2 submissions from 2 submitters: Pathogenic (1). 1 of the submissions does not count toward it. Last evaluated 2024-02-25.

Conditions:
Cornelia de Lange syndrome 4 (CDLS4). Also called: CORNELIA DE LANGE SYNDROME 4 WITH OR WITHOUT MIDLINE BRAIN DEFECTS; RAD21-Related Cornelia de Lange Syndrome. Identifiers: Orphanet 199, MedGen C3553517, MONDO:0013864, OMIM 614701.

Submissions (2):

Labcorp Genetics (formerly Invitae), Labcorp
Classification: Pathogenic for Cornelia de Lange syndrome 4. Last evaluated: 2024-02-25. Review status: criteria provided, single submitter. Criteria: Invitae Variant Classification Sherloc (09022015). Collection method: clinical testing. Allele origin: germline.
Comment: This sequence change creates a premature translational stop signal (p.Gln197*) in the RAD21 gene. It is expected to result in an absent or disrupted protein product. Loss-of-function variants in RAD21 are known to be pathogenic (PMID: 22633399, 24378232, 27620904, 27882533). This variant is not present in population databases (gnomAD no frequency). This premature translational stop signal has been observed in individual(s) with holoprosencephaly (PMID: 31334757). ClinVar contains an entry for this variant (Variation ID: 864835). For these reasons, this variant has been classified as Pathogenic.

OMIM
Classification: Pathogenic for CORNELIA DE LANGE SYNDROME 4 WITH MIDLINE BRAIN DEFECTS. Last evaluated: 2020-04-13. Review status: no assertion criteria provided. Collection method: literature only. Allele origin: germline. Not counted in ClinVar's aggregate classification.

Literature cited by the submitters: PubMed 22633399 (cited by Labcorp Genetics (formerly Invitae), Labcorp); PubMed 24378232 (cited by Labcorp Genetics (formerly Invitae), Labcorp); PubMed 27620904 (cited by Labcorp Genetics (formerly Invitae), Labcorp); PubMed 27882533 (cited by Labcorp Genetics (formerly Invitae), Labcorp); PubMed 31334757 (cited by Labcorp Genetics (formerly Invitae), Labcorp and OMIM).

NM_006265.3(RAD21):c.589C>T (p.Gln197Ter)

Gene: RAD21 (RAD21 cohesin complex component; minus strand). Cytogenetic location: 8q24.11.
Variant type: single nucleotide variant.
Coding change: c.589C>T on transcript NM_006265.3 (MANE Select); coding-DNA position 589, C replaced by T.
Protein change: p.Gln197Ter; replaces glutamine 197 with a stop codon.
Molecular consequence: nonsense.
Genome position (GRCh38, 1-based): chr8:116,857,366, G>A on the plus strand (C>T on the coding strand, the complement: RAD21 is on the minus strand). VCF-style: chr8-116857366-G-A. GRCh37 (hg19) VCF-style: chr8-117869605-G-A.
Other names: short protein forms Q197*.
Identifiers: ClinVar variation 864835 (VCV000864835.4), dbSNP rs1352385210, ClinGen allele CA372006491.